The following is an entry in ClinVar:

ClinVar aggregate classification (germline): Uncertain significance (1 of 4 stars; one submission).

Allele frequency attached by ClinVar (database versions not stated): gnomAD 0.00001.
gnomAD v4.1: 2 of 1,613,488 alleles (0.00012%); highest among the groups gnomAD compares: African/African-American, 0.0013%; no homozygotes.

Submission:

Ambry Genetics
Classification: Uncertain significance. Last evaluated: 2022-01-10. Review status: criteria provided, single submitter. Criteria: Ambry Variant Classification Scheme 2023. Collection method: clinical testing. Allele origin: germline.
Comment: The p.D333E variant (also known as c.999T>A), located in coding exon 10 of the KIF1B gene, results from a T to A substitution at nucleotide position 999. The aspartic acid at codon 333 is replaced by glutamic acid, an amino acid with highly similar properties. This amino acid position is conserved. In addition, the in silico prediction for this alteration is inconclusive. Since supporting evidence is limited at this time, the clinical significance of this alteration remains unclear.

NM_001365951.3(KIF1B):c.1017T>A (p.Asp339Glu)

Gene: KIF1B (kinesin family member 1B; plus strand). Cytogenetic location: 1p36.22.
Variant type: single nucleotide variant.
Coding change: c.1017T>A on transcript NM_001365951.3 (MANE Select); coding-DNA position 1017, T replaced by A.
Protein change: p.Asp339Glu; replaces aspartic acid 339 with glutamic acid.
Molecular consequence: missense variant.
Genome position (GRCh38, 1-based): chr1:10,276,379, T>A. VCF-style: chr1-10276379-T-A. GRCh37 (hg19) VCF-style: chr1-10336437-T-A.
Other names: c.1017T>A, p.Asp339Glu (NM_001365952.1); c.999T>A, p.Asp333Glu (NM_001365953.1, NM_015074.3, NM_183416.4); short protein forms D333E, D339E.
Identifiers: ClinVar variation 1768865 (VCV001768865.2), dbSNP rs1649109089, ClinGen allele CA338333106.